The following is an entry in ClinVar:

ClinVar aggregate classification (germline): not provided (0 of 4 stars; one submission).

gnomAD v4.1: 1 of 1,598,960 alleles (0.000063%); highest among the groups gnomAD compares: Admixed American, 0.0017%; no homozygotes.

Submission:

ZMPSTE24 homepage - Leiden Muscular Dystrophy pages
No classification provided. Review status: no classification provided. Collection method: not provided. Allele origin: germline.
Comment: no known functional consequence

NM_005857.5(ZMPSTE24):c.628-50T>C

Gene: ZMPSTE24 (zinc metallopeptidase STE24; plus strand). Cytogenetic location: 1p34.2.
Variant type: single nucleotide variant.
Coding change: c.628-50T>C on transcript NM_005857.5 (MANE Select); 50 bases into the intron before coding-DNA position 628, T replaced by C.
Molecular consequence: intron variant.
Genome position (GRCh38, 1-based): chr1:40,271,844, T>C. VCF-style: chr1-40271844-T-C. GRCh37 (hg19) VCF-style: chr1-40737516-T-C.
Other names: c.628-50T>C (LRG_212t1).
Identifiers: ClinVar variation 140534 (VCV000140534.1), dbSNP rs6677717, ClinGen allele CA232755.